The following is an entry in ClinVar:

NM_001958.5(EEF1A2):c.577A>G (p.Ile193Val)

Gene: EEF1A2 (eukaryotic translation elongation factor 1 alpha 2; minus strand). Cytogenetic location: 20q13.33.
Variant type: single nucleotide variant.
Coding change: c.577A>G on transcript NM_001958.5 (MANE Select); coding-DNA position 577, A replaced by G.
Protein change: p.Ile193Val; replaces isoleucine 193 with valine.
Molecular consequence: missense variant.
Genome position (GRCh38, 1-based): chr20:63,494,849, T>C on the plus strand (A>G on the coding strand, the complement: EEF1A2 is on the minus strand). VCF-style: chr20-63494849-T-C. GRCh37 (hg19) VCF-style: chr20-62126202-T-C.
Other names: short protein forms I193V.
Identifiers: ClinVar variation 1718445 (VCV001718445.6), dbSNP rs772514678, ClinGen allele CA9959076.

ClinVar aggregate classification (germline): Uncertain significance (1 of 4 stars; one submission).

Conditions:
Developmental and epileptic encephalopathy, 33 (DEE33). Also called: Epileptic encephalopathy, early infantile, 33. Identifiers: Orphanet 442835, MedGen C4225337, MONDO:0014625, OMIM 616409.

Allele frequency attached by ClinVar (database versions not stated): gnomAD exomes below 0.00001; ExAC 0.00001.
gnomAD v4.1: 4 of 1,612,474 alleles (0.00025%); highest among the groups gnomAD compares: Non-Finnish European, 0.00017%; no homozygotes.

Submission:

Labcorp Genetics (formerly Invitae), Labcorp
Classification: Uncertain significance for Developmental and epileptic encephalopathy, 33. Last evaluated: 2022-08-31. Review status: criteria provided, single submitter. Criteria: Invitae Variant Classification Sherloc (09022015). Collection method: clinical testing. Allele origin: germline.
Comment: In summary, the available evidence is currently insufficient to determine the role of this variant in disease. Therefore, it has been classified as a Variant of Uncertain Significance. Advanced modeling of protein sequence and biophysical properties (such as structural, functional, and spatial information, amino acid conservation, physicochemical variation, residue mobility, and thermodynamic stability) performed at Invitae indicates that this missense variant is expected to disrupt EEF1A2 protein function. This variant has not been reported in the literature in individuals affected with EEF1A2-related conditions. This variant is present in population databases (rs772514678, gnomAD 0.003%). This sequence change replaces isoleucine, which is neutral and non-polar, with valine, which is neutral and non-polar, at codon 193 of the EEF1A2 protein (p.Ile193Val).